The following is an entry in ClinVar:

ClinVar aggregate classification (germline): Uncertain significance (1 of 4 stars; one submission).

gnomAD v4.1: 1 of 1,594,518 alleles (0.000063%); highest among the groups gnomAD compares: Non-Finnish European, 0.000086%; no homozygotes.

Submission:

Women's Health and Genetics/Laboratory Corporation of America, LabCorp
Classification: Uncertain significance. Last evaluated: 2026-01-23. Review status: criteria provided, single submitter. Criteria: LabCorp Variant Classification Summary - May 2015. Collection method: clinical testing. Allele origin: germline.
Comment: Variant summary: DOT1L c.1961A>G (p.Gln654Arg) results in a conservative amino acid change in the encoded protein sequence. Algorithms developed to predict the effect of missense changes on protein structure and function are either unavailable or do not agree on the potential impact of this missense change. The variant allele was found at a frequency of 4.2e-06 in 237958 control chromosomes. The available data on variant occurrences in the general population are insufficient to allow any conclusion about variant significance. To our knowledge, no occurrence of c.1961A>G in individuals affected with DOT1L-related conditions and no experimental evidence demonstrating its impact on protein function have been reported. No submitters have cited clinical-significance assessments for this variant to ClinVar. Based on the evidence outlined above, the variant was classified as uncertain significance.

NM_032482.3(DOT1L):c.1961A>G (p.Gln654Arg)

Gene: DOT1L (DOT1 like histone lysine methyltransferase; plus strand). Cytogenetic location: 19p13.3.
Variant type: single nucleotide variant.
Coding change: c.1961A>G on transcript NM_032482.3 (MANE Select); coding-DNA position 1961, A replaced by G.
Protein change: p.Gln654Arg; replaces glutamine 654 with arginine.
Molecular consequence: missense variant.
Genome position (GRCh38, 1-based): chr19:2,216,318, A>G. VCF-style: chr19-2216318-A-G. GRCh37 (hg19) VCF-style: chr19-2216317-A-G.
Other names: c.1961A>G, p.Gln654Arg (NM_001411141.1); short protein forms Q654R.
Identifiers: ClinVar variation 4689750 (VCV004689750.1).